The following is an entry in ClinVar:

NM_020778.5(ALPK3):c.-38C>A

Gene: ALPK3 (alpha kinase 3; plus strand). Cytogenetic location: 15q25.3.
Variant type: single nucleotide variant.
Coding change: c.-38C>A on transcript NM_020778.5 (MANE Select); 38 bases upstream of the start codon, C replaced by A.
Molecular consequence: 5 prime UTR variant.
Genome position (GRCh38, 1-based): chr15:84,817,415, C>A. VCF-style: chr15-84817415-C-A. GRCh37 (hg19) VCF-style: chr15-85360646-C-A.
Identifiers: ClinVar variation 4721781 (VCV004721781.1).

ClinVar aggregate classification (germline): Uncertain significance (1 of 4 stars; one submission).

Submission:

Labcorp Genetics (formerly Invitae), Labcorp
Classification: Uncertain significance. Last evaluated: 2025-06-29. Review status: criteria provided, single submitter. Criteria: Invitae Variant Classification Sherloc (09022015). Collection method: clinical testing. Allele origin: germline.
Comment: This sequence change replaces alanine, which is neutral and non-polar, with glutamic acid, which is acidic and polar, at codon 190 of the ALPK3 protein (p.Ala190Glu). The frequency data for this variant in the population databases is considered unreliable, as metrics indicate poor data quality at this position in the gnomAD database. This variant has not been reported in the literature in individuals affected with ALPK3-related conditions. An algorithm developed to predict the effect of missense changes on protein structure and function (PolyPhen-2) suggests that this variant is likely to be tolerated. Algorithms developed to predict the effect of sequence changes on RNA splicing suggest that this variant may create or strengthen a splice site. In summary, the available evidence is currently insufficient to determine the role of this variant in disease. Therefore, it has been classified as a Variant of Uncertain Significance.